The following is an entry in ClinVar:

NM_018669.6(WDR4):c.613C>T (p.Leu205=)

Gene: WDR4 (WDR4 tRNA N7-guanosine methyltransferase non-catalytic subunit; minus strand). Cytogenetic location: 21q22.3.
Variant type: single nucleotide variant.
Coding change: c.613C>T on transcript NM_018669.6 (MANE Select); coding-DNA position 613, C replaced by T.
Protein change: p.Leu205=; no amino-acid change (leucine 205 retained).
Molecular consequence: synonymous variant. On other transcripts: non-coding transcript variant (1).
Genome position (GRCh38, 1-based): chr21:42,859,676, G>A on the plus strand (C>T on the coding strand, the complement: WDR4 is on the minus strand). VCF-style: chr21-42859676-G-A. GRCh37 (hg19) VCF-style: chr21-44279786-G-A.
Other names: c.613C>T, p.Leu205= (NM_001260474.2, NM_033661.5); c.175C>T, p.Leu59= (NM_001260475.2, NM_001260476.2, NM_001260477.2 and 1 more transcripts); c.613C>T (NM_033661.4).
Identifiers: ClinVar variation 2059381 (VCV002059381.29), dbSNP rs769744522, ClinGen allele CA321643989.

ClinVar aggregate classification (germline): Likely benign. Review status: criteria provided, multiple submitters, no conflicts (2 of 4 stars). 3 submissions from 3 submitters: Likely benign (2). 1 of the submissions does not count toward it. Last evaluated 2024-08-18.

Conditions:
WDR4-related disorder. Also called: WDR4-Related Disorders; WDR4-related condition.

Allele frequency attached by ClinVar (database versions not stated): gnomAD 0.00006; gnomAD exomes 0.00007; TOPMed 0.00011.
gnomAD v4.1: 111 of 1,486,416 alleles (0.0075%); highest among the groups gnomAD compares: Middle Eastern, 0.071%; no homozygotes.

Submissions (3):

Labcorp Genetics (formerly Invitae), Labcorp
Classification: Likely benign. Last evaluated: 2024-08-18. Review status: criteria provided, single submitter. Criteria: Invitae Variant Classification Sherloc (09022015). Collection method: clinical testing. Allele origin: germline.

CeGaT Center for Human Genetics Tuebingen
Classification: Likely benign. Last evaluated: 2022-05-01. Review status: criteria provided, single submitter. Criteria: CeGaT Center For Human Genetics Tuebingen Variant Classification Criteria Version 2. Collection method: clinical testing. Allele origin: germline. Affected: yes. Observed: 1 variant allele.
Comment: WDR4: BP4, BP7

PreventionGenetics, part of Exact Sciences
Classification: Likely benign for WDR4-related condition. Last evaluated: 2022-12-20. Review status: no assertion criteria provided. Collection method: clinical testing. Allele origin: germline. Not counted in ClinVar's aggregate classification.
Comment: This variant is classified as likely benign based on ACMG/AMP sequence variant interpretation guidelines (Richards et al. 2015 PMID: 25741868, with internal and published modifications).